The following is an entry in ClinVar:

NM_001378457.1(DMXL2):c.722del (p.Arg241fs)

Gene: DMXL2 (Dmx like 2; minus strand). Cytogenetic location: 15q21.2.
Variant type: Deletion.
Coding change: c.722del on transcript NM_001378457.1 (MANE Select); coding-DNA position 722, one base deleted (G; older notation c.722delG).
Protein change: p.Arg241fs; shifts the reading frame from arginine 241.
Molecular consequence: frameshift variant. On other transcripts: non-coding transcript variant (2).
Genome position (GRCh38, 1-based): chr15:51,547,254, C deleted on the plus strand (G on the coding strand, the reverse complement: DMXL2 is on the minus strand). VCF-style (leftmost placement, unchanged base first): chr15-51547253-GC-G. GRCh37 (hg19) VCF-style: chr15-51839450-GC-G.
Other names: c.722del, p.Arg241fs (NM_001174116.3, NM_001174117.3, NM_001378458.1 and 7 more transcripts); short protein forms R241fs.
Identifiers: ClinVar variation 4883919 (VCV004883919.2).
Genomic context (GRCh38, chr15:51,547,253, plus strand): 5'-GGATGCAAACTAAAGCTACATGATTCATTCATCTAACCTGGGCATATACTTGCTAGTTTT[GC>G]GCCACGAAAAACCTGTCACAGCTCGGGGATGTGCCAAGTAAACAAAAGAAAATTGAGTAG-3'

ClinVar aggregate classification (germline): Uncertain significance (1 of 4 stars; one submission).

Conditions:
Hearing loss, autosomal dominant 71. Also called: DEAFNESS, AUTOSOMAL DOMINANT 71. Identifiers: MedGen C4539881, MONDO:0033258, OMIM 617605.

Submission:

Dasa
Classification: Uncertain significance for Hearing loss, autosomal dominant 71. Last evaluated: 2025-09-18. Review status: criteria provided, single submitter. Criteria: DASA Assertion Criteria. Collection method: clinical testing. Allele origin: germline.
Comment: NM_001378457.1(DMXL2):c.722del (p.Arg241Profs*17) is a frameshift variant in DMXL2 predicted to alter the reading frame and introduce a premature termination codon. This variant is absent from population databases. The currently available literature and clinical evidence are not sufficient to establish a definitive association between this variant and the reported condition. Therefore, this variant is classified as a variant of uncertain significance.